The following is an entry in ClinVar:

ClinVar aggregate classification (germline): Uncertain significance (1 of 4 stars; one submission).

Conditions:
Inborn genetic diseases. Identifiers: MedGen C0950123, MeSH D030342.

Submission:

Ambry Genetics
Classification: Uncertain significance for Inborn genetic diseases. Last evaluated: 2026-03-19. Review status: criteria provided, single submitter. Criteria: Ambry Variant Classification Scheme 2023. Collection method: clinical testing. Allele origin: germline.
Comment: The p.A627G variant (also known as c.1880C>G), located in coding exon 21 of the FANCA gene, results from a C to G substitution at nucleotide position 1880. The alanine at codon 627 is replaced by glycine, an amino acid with similar properties. This amino acid position is conserved. In addition, this alteration is predicted to be tolerated by in silico analysis. Based on the available evidence, the clinical significance of this variant remains unclear.

NM_000135.4(FANCA):c.1880C>G (p.Ala627Gly)

Gene: FANCA (FA complementation group A; minus strand). Cytogenetic location: 16q24.3.
Variant type: single nucleotide variant.
Coding change: c.1880C>G on transcript NM_000135.4 (MANE Select); coding-DNA position 1880, C replaced by G.
Protein change: p.Ala627Gly; replaces alanine 627 with glycine.
Molecular consequence: missense variant.
Genome position (GRCh38, 1-based): chr16:89,775,762, G>C on the plus strand (C>G on the coding strand, the complement: FANCA is on the minus strand). VCF-style: chr16-89775762-G-C. GRCh37 (hg19) VCF-style: chr16-89842170-G-C.
Other names: c.1880C>G, p.Ala627Gly (NM_001286167.3); short protein forms A627G.
Identifiers: ClinVar variation 4870792 (VCV004870792.1).